The following is an entry in ClinVar:

ClinVar aggregate classification (germline): Likely pathogenic (1 of 4 stars; one submission).

Conditions:
Severe intellectual disability-progressive spastic diplegia syndrome (NEDSDV). Also called: NEURODEVELOPMENTAL DISORDER WITH SPASTIC DIPLEGIA AND VISUAL DEFECTS; CTNNB1 Neurodevelopmental Disorder. Identifiers: Orphanet 404473, MedGen C3554449, MONDO:0014035, OMIM 615075.

Submission:

3billion
Classification: Likely pathogenic for Severe intellectual disability-progressive spastic diplegia syndrome. Last evaluated: 2025-02-07. Review status: criteria provided, single submitter. Criteria: ACMG Guidelines, 2015. Collection method: clinical testing. Allele origin: germline. Affected: yes.
Comment: The variant is not observed in the gnomAD v4.1.0 dataset. Predicted Consequence/Location: Stop-gained (nonsense): predicted to result in a loss or disruption of normal protein function through nonsense-mediated decay (NMD) or protein truncation. Multiple pathogenic variants are reported downstream of the variant. Therefore, this variant is classified as Likely pathogenic according to the recommendation of ACMG/AMP guideline.

NM_001904.4(CTNNB1):c.1318C>T (p.Gln440Ter)

Genes: CTNNB1 (catenin beta 1; plus strand), LOC126806659 (BRD4-independent group 4 enhancer GRCh37_chr3:41274918-41276117; plus strand). Cytogenetic location: 3p22.1.
Variant type: single nucleotide variant.
Coding change: c.1318C>T on transcript NM_001904.4 (MANE Select); coding-DNA position 1318, C replaced by T.
Protein change: p.Gln440Ter; replaces glutamine 440 with a stop codon.
Molecular consequence: nonsense.
Genome position (GRCh38, 1-based): chr3:41,233,661, C>T. VCF-style: chr3-41233661-C-T. GRCh37 (hg19) VCF-style: chr3-41275152-C-T.
Other names: c.1318C>T, p.Gln440Ter (NM_001098209.2, NM_001098210.2, NM_001438871.1 and 4 more transcripts); c.1297C>T, p.Gln433Ter (NM_001330729.2); short protein forms Q433*, Q440*.
Identifiers: ClinVar variation 4293481 (VCV004293481.1).